The following is an entry in ClinVar:

ClinVar aggregate classification (germline): Uncertain significance (1 of 4 stars; one submission).

Allele frequency attached by ClinVar (database versions not stated): gnomAD exomes below 0.00001.
gnomAD v4.1: 1 of 1,610,024 alleles (0.000062%); highest among the groups gnomAD compares: Non-Finnish European, 0.000085%; no homozygotes.

Submission:

Labcorp Genetics (formerly Invitae), Labcorp
Classification: Uncertain significance. Last evaluated: 2023-06-10. Review status: criteria provided, single submitter. Criteria: Invitae Variant Classification Sherloc (09022015). Collection method: clinical testing. Allele origin: germline.
Comment: This sequence change replaces glutamine, which is neutral and polar, with glutamic acid, which is acidic and polar, at codon 396 of the LZTS1 protein (p.Gln396Glu). In summary, the available evidence is currently insufficient to determine the role of this variant in disease. Therefore, it has been classified as a Variant of Uncertain Significance. Advanced modeling of protein sequence and biophysical properties (such as structural, functional, and spatial information, amino acid conservation, physicochemical variation, residue mobility, and thermodynamic stability) performed at Invitae indicates that this missense variant is expected to disrupt LZTS1 protein function. This variant has not been reported in the literature in individuals affected with LZTS1-related conditions. This variant is not present in population databases (gnomAD no frequency).

NM_021020.5(LZTS1):c.1186C>G (p.Gln396Glu)

Gene: LZTS1 (leucine zipper tumor suppressor 1; minus strand). Cytogenetic location: 8p21.3.
Variant type: single nucleotide variant.
Coding change: c.1186C>G on transcript NM_021020.5 (MANE Select); coding-DNA position 1186, C replaced by G.
Protein change: p.Gln396Glu; replaces glutamine 396 with glutamic acid.
Molecular consequence: missense variant.
Genome position (GRCh38, 1-based): chr8:20,250,327, G>C on the plus strand (C>G on the coding strand, the complement: LZTS1 is on the minus strand). VCF-style: chr8-20250327-G-C. GRCh37 (hg19) VCF-style: chr8-20107838-G-C.
Other names: c.1186C>G, p.Gln396Glu (NM_001362884.2); short protein forms Q396E.
Identifiers: ClinVar variation 2707718 (VCV002707718.3), dbSNP rs2486299791, ClinGen allele CA370476667.
Genomic context (GRCh38, chr8:20,250,327, plus strand): 5'-TGAGACCCAGGATCTCGCTAGCCTTGGCGTTCACCTCCGTCTGGGACTCCTTCAGCTGCT[G>C]CTTCAGGAGGGAGATCTCGCCTGACTTCTGGCACACCTGCCGAGGGTGGGGTGGAGACAG-3'
Protein context (NP_066300.1, residues 386-406): QKSGEISLLK[Gln396Glu]QLKESQTEVN